The following is an entry in ClinVar:

NM_000051.4(ATM):c.4782del (p.Asn1595fs)

Gene: ATM (ATM serine/threonine kinase; plus strand). Cytogenetic location: 11q22.3.
Variant type: Deletion.
Coding change: c.4782del on transcript NM_000051.4 (MANE Select); coding-DNA position 4782, one base deleted (T; older notation c.4782delT).
Protein change: p.Asn1595fs; shifts the reading frame from asparagine 1595.
Molecular consequence: frameshift variant.
Genome position (GRCh38, 1-based): chr11:108,294,932, T deleted; the last of 2 consecutive T bases (chr11:108,294,931-108,294,932); deleting either gives the same sequence. VCF-style (leftmost placement, unchanged base first): chr11-108294930-AT-A. GRCh37 (hg19) VCF-style: chr11-108165657-AT-A.
Other names: c.4782del, p.Asn1595fs (NM_001351834.2); short protein forms N1595fs.
Identifiers: ClinVar variation 2774672 (VCV002774672.2), dbSNP rs2546942102, ClinGen allele CA2697558851.

ClinVar aggregate classification (germline): Pathogenic (1 of 4 stars; one submission).

Conditions:
Hereditary cancer-predisposing syndrome. Also called: Neoplastic Syndromes, Hereditary; Tumor predisposition; Hereditary Cancer Syndrome; Hereditary neoplastic syndrome. Identifiers: Orphanet 140162, MedGen C0027672, MeSH D009386, MONDO:0015356.

Submission:

Color Diagnostics, LLC DBA Color Health
Classification: Pathogenic for Hereditary cancer-predisposing syndrome. Last evaluated: 2021-10-25. Review status: criteria provided, single submitter. Criteria: ACMG Guidelines, 2015. Collection method: clinical testing. Allele origin: germline.
Comment: This variant deletes 1 nucleotide in exon 32 of the ATM gene, creating a frameshift and premature translation stop signal. This variant is expected to result in an absent or non-functional protein product. This variant has not been identified in the general population by the Genome Aggregation Database (gnomAD). Loss of ATM function is a known mechanism of disease. Based on the available evidence, this variant is classified as Pathogenic.